The following is an entry in ClinVar:

ClinVar aggregate classification (germline): Pathogenic. Review status: criteria provided, multiple submitters, no conflicts (2 of 4 stars). 3 submissions from 3 submitters: Pathogenic (2). 1 of the submissions does not count toward it. Last evaluated 2025-03-17.

Conditions:
MERTK-related disorder. Also called: MERTK-related condition.
Retinitis pigmentosa 38 (RP38). Also called: ROD-CONE DYSTROPHY, CHILDHOOD-ONSET. Identifiers: Orphanet 791, MedGen C3151228, MONDO:0013469, OMIM 613862.

Allele frequency attached by ClinVar (database versions not stated): gnomAD 0.00002; gnomAD exomes 0.00002; TOPMed 0.00002.
gnomAD v4.1: 31 of 1,608,858 alleles (0.0019%); highest among the groups gnomAD compares: Non-Finnish European, 0.0026%; no homozygotes.

Submissions (3):

Labcorp Genetics (formerly Invitae), Labcorp
Classification: Pathogenic. Last evaluated: 2025-03-17. Review status: criteria provided, single submitter. Criteria: Invitae Variant Classification Sherloc (09022015). Collection method: clinical testing. Allele origin: germline.
Comment: This sequence change affects an acceptor splice site in intron 10 of the MERTK gene. It is expected to disrupt RNA splicing. Variants that disrupt the donor or acceptor splice site typically lead to a loss of protein function (PMID: 16199547), and loss-of-function variants in MERTK are known to be pathogenic (PMID: 24265693, 29659094). This variant is present in population databases (rs730880273, gnomAD 0.01%). Disruption of this splice site has been observed in individuals with retinitis pigmentosa (PMID: 11062461; internal data). This variant is also known as IVS10-2A>G. ClinVar contains an entry for this variant (Variation ID: 5401). Algorithms developed to predict the effect of sequence changes on RNA splicing suggest that this variant may disrupt the consensus splice site. For these reasons, this variant has been classified as Pathogenic.

Blueprint Genetics
Classification: Pathogenic for MERTK-related disorders. Last evaluated: 2022-09-12. Review status: criteria provided, single submitter. Criteria: ACMG Guidelines, 2015. Collection method: clinical testing. Allele origin: germline. Affected: yes. Observed: 5 variant alleles.

OMIM
Classification: Pathogenic for RETINITIS PIGMENTOSA 38. Last evaluated: 2002-01-01. Review status: no assertion criteria provided. Collection method: literature only. Allele origin: germline. Not counted in ClinVar's aggregate classification.

Literature cited by the submitters: PubMed 16199547 (cited by Labcorp Genetics (formerly Invitae), Labcorp); PubMed 24265693 (cited by Labcorp Genetics (formerly Invitae), Labcorp); PubMed 29659094 (cited by Labcorp Genetics (formerly Invitae), Labcorp); PubMed 11062461 (cited by Labcorp Genetics (formerly Invitae), Labcorp and OMIM); PubMed 11727200 (cited by OMIM).

NM_006343.3(MERTK):c.1605-2A>G

Gene: MERTK (MER proto-oncogene, tyrosine kinase; plus strand). Cytogenetic location: 2q13.
Variant type: single nucleotide variant.
Coding change: c.1605-2A>G on transcript NM_006343.3 (MANE Select); the canonical splice acceptor site of the intron before coding-DNA position 1605, A replaced by G.
Molecular consequence: splice acceptor variant.
Genome position (GRCh38, 1-based): chr2:112,001,199, A>G. VCF-style: chr2-112001199-A-G. GRCh37 (hg19) VCF-style: chr2-112758776-A-G.
Other names: IVS10AS, A-G, -2.
Identifiers: ClinVar variation 5401 (VCV000005401.11), dbSNP rs730880273, ClinGen allele CA253473.
Genomic context (GRCh38, chr2:112,001,199, plus strand): 5'-ATCAGTGCCTGCCCCAGTAGCCCTGTTTTTATAGTGAAGTATCTTTGTTTTCATTCACCC[A>G]GGAATGCATTCACAGAGGAGGATTCTGAATTAGTGGTGAATTATATAGCAAAGAAATCCT-3'